The following is an entry in ClinVar:

ClinVar aggregate classification (germline): Likely benign (1 of 4 stars; one submission).

gnomAD v4.1: 34 of 1,614,156 alleles (0.0021%); highest among the groups gnomAD compares: Middle Eastern, 0.016%; no homozygotes.

Submission:

CeGaT Center for Human Genetics Tuebingen
Classification: Likely benign. Last evaluated: 2025-10-01. Review status: criteria provided, single submitter. Criteria: CeGaT Center For Human Genetics Tuebingen Variant Classification Criteria Version 2. Collection method: clinical testing. Allele origin: germline. Affected: yes. Observed: 1 variant allele.
Comment: TANC1: BP4, BP7

NM_033394.3(TANC1):c.1230G>A (p.Ala410=)

Gene: TANC1 (tetratricopeptide repeat, ankyrin repeat and coiled-coil containing 1; plus strand). Cytogenetic location: 2q24.2.
Variant type: single nucleotide variant.
Coding change: c.1230G>A on transcript NM_033394.3 (MANE Select); coding-DNA position 1230, G replaced by A.
Protein change: p.Ala410=; no amino-acid change (alanine 410 retained).
Molecular consequence: synonymous variant.
Genome position (GRCh38, 1-based): chr2:159,170,684, G>A. VCF-style: chr2-159170684-G-A. GRCh37 (hg19) VCF-style: chr2-160027195-G-A.
Other names: c.1206G>A, p.Ala402= (NM_001145909.2); c.627G>A, p.Ala209= (NM_001350062.2); c.861G>A, p.Ala287= (NM_001350063.2); c.1209G>A, p.Ala403= (NM_001350064.2, NM_001350065.2).
Identifiers: ClinVar variation 4534158 (VCV004534158.6).